The following is an entry in ClinVar:

ClinVar aggregate classification (germline): Benign. Review status: criteria provided, multiple submitters, no conflicts (2 of 4 stars). 5 submissions from 5 submitters: Benign (4). 1 of the submissions does not count toward it. Last evaluated 2026-02-04.

Conditions:
Seckel syndrome 7 (SCKL7). Identifiers: Orphanet 319675, MedGen C3553870, MONDO:0013922, OMIM 614851.

Allele frequency attached by ClinVar (database versions not stated): ESP Exome Variant Server 0.50331; TOPMed 0.52220; gnomAD 0.52775 and 0.53862; 1000 Genomes Project 30x 0.56621; 1000 Genomes Project 0.57728; ExAC 0.62067; gnomAD exomes 0.62344 and 0.62897.
gnomAD v4.1: 992,220 of 1,613,166 alleles (62%); highest among the groups gnomAD compares: East Asian, 83%; 311,834 homozygotes.

Submissions (5):

Labcorp Genetics (formerly Invitae), Labcorp
Classification: Benign. Last evaluated: 2026-02-04. Review status: criteria provided, single submitter. Criteria: Invitae Variant Classification Sherloc (09022015). Collection method: clinical testing. Allele origin: germline.

Genome-Nilou Lab
Classification: Benign for Seckel syndrome 7. Last evaluated: 2021-09-05. Review status: criteria provided, single submitter. Criteria: ACMG Guidelines, 2015. Collection method: clinical testing. Allele origin: germline. Affected: no.

GeneDx
Classification: Benign. Last evaluated: 2018-11-12. Review status: criteria provided, single submitter. Criteria: GeneDx Variant Classification Process June 2021. Collection method: clinical testing. Allele origin: germline. Affected: yes.

Breakthrough Genomics
Classification: Benign. Review status: criteria provided, single submitter. Criteria: ACMG Guidelines, 2015. Collection method: not provided. Allele origin: germline. Inheritance: Autosomal recessive inheritance. Affected: yes.

Genetic Services Laboratory, University of Chicago
Classification: Likely benign for AllHighlyPenetrant. Review status: no assertion criteria provided. Collection method: clinical testing. Allele origin: germline. Inheritance: Autosomal recessive inheritance. Not counted in ClinVar's aggregate classification.
Comment: Likely benign based on allele frequency in 1000 Genomes Project or ESP global frequency and its presence in a patient with a rare or unrelated disease phenotype. NOT Sanger confirmed.

NM_020921.4(NIN):c.1128T>C (p.Val376=)

Gene: NIN (ninein; minus strand). Cytogenetic location: 14q22.1.
Variant type: single nucleotide variant.
Coding change: c.1128T>C on transcript NM_020921.4 (MANE Select); coding-DNA position 1128, T replaced by C.
Protein change: p.Val376=; no amino-acid change (valine 376 retained).
Molecular consequence: synonymous variant.
Genome position (GRCh38, 1-based): chr14:50,770,983, A>G on the plus strand (T>C on the coding strand, the complement: NIN is on the minus strand). VCF-style: chr14-50770983-A-G. GRCh37 (hg19) VCF-style: chr14-51237701-A-G.
Other names: c.1128T>C, p.Val376= (NM_016350.5, NM_182944.3, NM_182946.2).
Identifiers: ClinVar variation 129779 (VCV000129779.18), dbSNP rs17793018, ClinGen allele CA154073.